The following is an entry in ClinVar:

NM_002878.4(RAD51D):c.263+1816C>T

Genes: RAD51D (RAD51 paralog D; minus strand), RAD51L3-RFFL (RAD51L3-RFFL readthrough; minus strand). Cytogenetic location: 17q12.
Variant type: single nucleotide variant.
Coding change: c.263+1816C>T on transcript NM_002878.4 (MANE Select); 1816 bases into the intron after coding-DNA position 263, C replaced by T.
Molecular consequence: intron variant.
Genome position (GRCh38, 1-based): chr17:35,116,685, G>A on the plus strand (C>T on the coding strand, the complement: RAD51D is on the minus strand). VCF-style: chr17-35116685-G-A. GRCh37 (hg19) VCF-style: chr17-33443704-G-A.
Other names: c.144+2426C>T (NM_133629.3); c.323+174C>T (NM_001142571.2).
Identifiers: ClinVar variation 682476 (VCV000682476.1), dbSNP rs145397692, ClinGen allele CA290004922.

ClinVar aggregate classification (germline): Likely benign (1 of 4 stars; one submission).

Allele frequency attached by ClinVar (database versions not stated): gnomAD 0.00826 and 0.00891; 1000 Genomes Project 0.00839; TOPMed 0.00957; 1000 Genomes Project 30x 0.00999.
gnomAD v4.1: 1,248 of 152,062 alleles (0.82%); highest among the groups gnomAD compares: African/African-American, 2.9%; 20 homozygotes.

Submission:

GeneDx
Classification: Likely benign. Last evaluated: 2018-06-18. Review status: criteria provided, single submitter. Criteria: GeneDx Variant Classification (06012015). Collection method: clinical testing. Allele origin: germline. Affected: yes.
Comment: This variant is considered likely benign or benign based on one or more of the following criteria: it is a conservative change, it occurs at a poorly conserved position in the protein, it is predicted to be benign by multiple in silico algorithms, and/or has population frequency not consistent with disease.